The following is an entry in ClinVar:

ClinVar aggregate classification (germline): Uncertain significance (1 of 4 stars; one submission).

Submission:

Ambry Genetics
Classification: Uncertain significance. Last evaluated: 2024-08-11. Review status: criteria provided, single submitter. Criteria: Ambry Variant Classification Scheme 2023. Collection method: clinical testing. Allele origin: germline.
Comment: The p.I1259V variant (also known as c.3775A>G), located in coding exon 16 of the POLQ gene, results from an A to G substitution at nucleotide position 3775. The isoleucine at codon 1259 is replaced by valine, an amino acid with highly similar properties. This amino acid position is conserved. In addition, this alteration is predicted to be tolerated by in silico analysis. Based on the available evidence, the clinical significance of this variant remains unclear.

NM_199420.4(POLQ):c.3775A>G (p.Ile1259Val)

Gene: POLQ (DNA polymerase theta; minus strand). Cytogenetic location: 3q13.33.
Variant type: single nucleotide variant.
Coding change: c.3775A>G on transcript NM_199420.4 (MANE Select); coding-DNA position 3775, A replaced by G.
Protein change: p.Ile1259Val; replaces isoleucine 1259 with valine.
Molecular consequence: missense variant.
Genome position (GRCh38, 1-based): chr3:121,489,156, T>C on the plus strand (A>G on the coding strand, the complement: POLQ is on the minus strand). VCF-style: chr3-121489156-T-C. GRCh37 (hg19) VCF-style: chr3-121208003-T-C.
Other names: short protein forms I1259V.
Identifiers: ClinVar variation 3422489 (VCV003422489.1).